The following is an entry in ClinVar:

NM_144997.7(FLCN):c.1336C>G (p.Arg446Gly)

Gene: FLCN (folliculin; minus strand). Cytogenetic location: 17p11.2.
Variant type: single nucleotide variant.
Coding change: c.1336C>G on transcript NM_144997.7 (MANE Select); coding-DNA position 1336, C replaced by G.
Protein change: p.Arg446Gly; replaces arginine 446 with glycine.
Molecular consequence: missense variant.
Genome position (GRCh38, 1-based): chr17:17,215,281, G>C on the plus strand (C>G on the coding strand, the complement: FLCN is on the minus strand). VCF-style: chr17-17215281-G-C. GRCh37 (hg19) VCF-style: chr17-17118595-G-C.
Other names: p.Arg446Gly; c.1390C>G, p.Arg464Gly (NM_001353229.2); c.1336C>G, p.Arg446Gly (NM_001353230.2, NM_001353231.2); short protein forms R446G, R464G.
Identifiers: ClinVar variation 2683411 (VCV002683411.1), dbSNP rs200724468, ClinGen allele CA398531436.
Genomic context (GRCh38, chr17:17,215,281, plus strand): 5'-CAAACTCGTACTTGCTGAGAGACTGGTCATCCTCACACCCCACAGGGTGGAGGGTGGAAC[G>C]TGCGGCTGCGTGGACCTCCACGATGACAGCAAACTCTGTAACAACACAAGGCCCGTGGCT-3'
Protein context (NP_659434.2, residues 436-456): AVIVEVHAAA[Arg446Gly]STLHPVGCED

ClinVar aggregate classification (germline): Uncertain significance (1 of 4 stars; one submission).

Submission:

Mayo Clinic Laboratories, Mayo Clinic
Classification: Uncertain significance. Last evaluated: 2022-03-25. Review status: criteria provided, single submitter. Criteria: ACMG Guidelines, 2015. Collection method: clinical testing. Allele origin: germline. Observed: 1 variant allele.
Comment: PM2